The following is an entry in ClinVar:

NM_001103.4(ACTN2):c.817C>G (p.Leu273Val)

Gene: ACTN2 (actinin alpha 2; plus strand). Cytogenetic location: 1q43.
Variant type: single nucleotide variant.
Coding change: c.817C>G on transcript NM_001103.4 (MANE Select); coding-DNA position 817, C replaced by G.
Protein change: p.Leu273Val; replaces leucine 273 with valine.
Molecular consequence: missense variant. On other transcripts: non-coding transcript variant (1).
Genome position (GRCh38, 1-based): chr1:236,737,155, C>G. VCF-style: chr1-236737155-C-G. GRCh37 (hg19) VCF-style: chr1-236900455-C-G.
Other names: c.817C>G, p.Leu273Val (NM_001278343.2); short protein forms L273V.
Identifiers: ClinVar variation 3763143 (VCV003763143.2).
Genomic context (GRCh38, chr1:236,737,155, plus strand): 5'-GTCCTGTTTACCTATTGTGTTTTACAGGCCGAGACAGCGGCTAACAGGATATGTAAGGTT[C>G]TTGCTGTGAATCAAGAGAATGAGAGGCTGATGGAAGAATATGAGAGGCTAGCGAGTGAGG-3'
Protein context (NP_001094.1, residues 263-283): ETAANRICKV[Leu273Val]AVNQENERLM

ClinVar aggregate classification (germline): Uncertain significance (1 of 4 stars; one submission).

Conditions:
Primary familial hypertrophic cardiomyopathy (HCM). Identifiers: Orphanet 99739, MedGen C0949658, MeSH D024741, MONDO:0024573. Inheritance: Various modes of inheritance.
Dilated cardiomyopathy 1AA (CMD1AA). Also called: Cardiomyopathy, dilated, 1AA, with or without LVNC; CARDIOMYOPATHY, DILATED, 1AA, WITH OR WITHOUT LEFT VENTRICULAR NONCOMPACTION; CARDIOMYOPATHY, FAMILIAL HYPERTROPHIC, 23, WITH OR WITHOUT LEFT VENTRICULAR NONCOMPACTION. Identifiers: Orphanet 154, MedGen C2677338, MONDO:0012808, OMIM 612158.

gnomAD v4.1: 2 of 1,608,868 alleles (0.00012%); highest among the groups gnomAD compares: Non-Finnish European, 0.00017%; no homozygotes.

Submission:

Labcorp Genetics (formerly Invitae), Labcorp
Classification: Uncertain significance for Primary familial hypertrophic cardiomyopathy; Dilated cardiomyopathy 1AA. Last evaluated: 2024-12-16. Review status: criteria provided, single submitter. Criteria: Invitae Variant Classification Sherloc (09022015). Collection method: clinical testing. Allele origin: germline.
Comment: This sequence change replaces leucine, which is neutral and non-polar, with valine, which is neutral and non-polar, at codon 273 of the ACTN2 protein (p.Leu273Val). This variant is not present in population databases (gnomAD no frequency). This variant has not been reported in the literature in individuals affected with ACTN2-related conditions. Invitae Evidence Modeling of protein sequence and biophysical properties (such as structural, functional, and spatial information, amino acid conservation, physicochemical variation, residue mobility, and thermodynamic stability) indicates that this missense variant is not expected to disrupt ACTN2 protein function with a negative predictive value of 95%. In summary, the available evidence is currently insufficient to determine the role of this variant in disease. Therefore, it has been classified as a Variant of Uncertain Significance.